The following is an entry in ClinVar:

ClinVar aggregate classification (germline): Likely benign. Review status: criteria provided, multiple submitters, no conflicts (2 of 4 stars). 3 submissions from 3 submitters: Likely benign (3). Last evaluated 2023-03-01.

Allele frequency attached by ClinVar (database versions not stated): 1000 Genomes Project 0.00060; 1000 Genomes Project 30x 0.00062; gnomAD 0.00077 and 0.00078; gnomAD exomes 0.00094 and 0.00129; TOPMed 0.00096; ExAC 0.00112; ESP Exome Variant Server 0.00169.
gnomAD v4.1: 1,988 of 1,612,902 alleles (0.12%); highest among the groups gnomAD compares: Middle Eastern, 0.33%; 2 homozygotes.

Submissions (3):

CeGaT Center for Human Genetics Tuebingen
Classification: Likely benign. Last evaluated: 2023-03-01. Review status: criteria provided, single submitter. Criteria: CeGaT Center For Human Genetics Tuebingen Variant Classification Criteria Version 2. Collection method: clinical testing. Allele origin: germline. Affected: yes. Observed: 1 variant allele.
Comment: PTPRF: BP4, BP7

Labcorp Genetics (formerly Invitae), Labcorp
Classification: Likely benign. Last evaluated: 2018-04-17. Review status: criteria provided, single submitter. Criteria: Invitae Variant Classification Sherloc (09022015). Collection method: clinical testing. Allele origin: germline.

Breakthrough Genomics
Classification: Likely benign. Review status: criteria provided, single submitter. Criteria: ACMG Guidelines, 2015. Collection method: not provided. Allele origin: germline. Inheritance: Autosomal recessive inheritance. Affected: yes.

NM_002840.5(PTPRF):c.2124C>T (p.Pro708=)

Gene: PTPRF (protein tyrosine phosphatase receptor type F; plus strand). Cytogenetic location: 1p34.2.
Variant type: single nucleotide variant.
Coding change: c.2124C>T on transcript NM_002840.5 (MANE Select); coding-DNA position 2124, C replaced by T.
Protein change: p.Pro708=; no amino-acid change (proline 708 retained).
Molecular consequence: synonymous variant.
Genome position (GRCh38, 1-based): chr1:43,598,724, C>T. VCF-style: chr1-43598724-C-T. GRCh37 (hg19) VCF-style: chr1-44064395-C-T.
Other names: c.1836C>T, p.Pro612= (NM_001329137.2); c.1848C>T, p.Pro616= (NM_001329138.2); c.1818C>T, p.Pro606= (NM_001329139.2, NM_001329140.2); c.2124C>T, p.Pro708= (NM_130440.4).
Identifiers: ClinVar variation 732353 (VCV000732353.28), dbSNP rs147762557, ClinGen allele CA812369.